The following is an entry in ClinVar:

ClinVar aggregate classification (germline): Uncertain significance (1 of 4 stars; one submission).

Conditions:
LAMA2-related muscular dystrophy (LAMA2-RD). Also called: Laminin alpha 2-related dystrophy. Identifiers: MedGen C5679788, MONDO:0100228.

Allele frequency attached by ClinVar (database versions not stated): gnomAD exomes below 0.00001.
gnomAD v4.1: 1 of 1,612,010 alleles (0.000062%); highest among the groups gnomAD compares: Non-Finnish European, 0.000085%; no homozygotes.

Submission:

Labcorp Genetics (formerly Invitae), Labcorp
Classification: Uncertain significance for LAMA2-related muscular dystrophy. Last evaluated: 2025-08-11. Review status: criteria provided, single submitter. Criteria: Invitae Variant Classification Sherloc (09022015). Collection method: clinical testing. Allele origin: germline.
Comment: This sequence change replaces aspartic acid, which is acidic and polar, with glutamic acid, which is acidic and polar, at codon 267 of the LAMA2 protein (p.Asp267Glu). This variant is not present in population databases (gnomAD no frequency). This variant has not been reported in the literature in individuals affected with LAMA2-related conditions. ClinVar contains an entry for this variant (Variation ID: 2109274). Invitae Evidence Modeling of protein sequence and biophysical properties (such as structural, functional, and spatial information, amino acid conservation, physicochemical variation, residue mobility, and thermodynamic stability) indicates that this missense variant is not expected to disrupt LAMA2 protein function with a negative predictive value of 95%. This variant disrupts the p.Asp267 amino acid residue in LAMA2. Other variant(s) that disrupt this residue have been determined to be pathogenic (PMID: 27447704). This suggests that this residue is clinically significant, and that variants that disrupt this residue are likely to be disease-causing. In summary, the available evidence is currently insufficient to determine the role of this variant in disease. Therefore, it has been classified as a Variant of Uncertain Significance.

Literature cited by the submitters: PubMed 27447704.

NM_000426.4(LAMA2):c.801C>A (p.Asp267Glu)

Gene: LAMA2 (laminin subunit alpha 2; plus strand). Cytogenetic location: 6q22.33.
Variant type: single nucleotide variant.
Coding change: c.801C>A on transcript NM_000426.4 (MANE Select); coding-DNA position 801, C replaced by A.
Protein change: p.Asp267Glu; replaces aspartic acid 267 with glutamic acid.
Molecular consequence: missense variant.
Genome position (GRCh38, 1-based): chr6:129,144,062, C>A. VCF-style: chr6-129144062-C-A. GRCh37 (hg19) VCF-style: chr6-129465207-C-A.
Other names: c.801C>A, p.Asp267Glu (NM_001079823.2); short protein forms D267E.
Identifiers: ClinVar variation 2109274 (VCV002109274.4), dbSNP rs2482585127, ClinGen allele CA365606213.
Genomic context (GRCh38, chr6:129,144,062, plus strand): 5'-GATCCGCACACTGAATGCTGACTTGATGATGTTTGCTCACAAAGACCCAAGAGAAATTGA[C>A]CCCATTGTCACCAGAAGAGTAAGTTATGATGAATCATATTAGAGCCTACAAATGATATCC-3'
Protein context (NP_000417.3, residues 257-277): MFAHKDPREI[Asp267Glu]PIVTRRYYYS